The following is an entry in ClinVar:

NM_015915.5(ATL1):c.1160T>C (p.Leu387Ser)

Gene: ATL1 (atlastin GTPase 1; plus strand). Cytogenetic location: 14q22.1.
Variant type: single nucleotide variant.
Coding change: c.1160T>C on transcript NM_015915.5 (MANE Select); coding-DNA position 1160, T replaced by C.
Protein change: p.Leu387Ser; replaces leucine 387 with serine.
Molecular consequence: missense variant.
Genome position (GRCh38, 1-based): chr14:50,628,071, T>C. VCF-style: chr14-50628071-T-C. GRCh37 (hg19) VCF-style: chr14-51094789-T-C.
Other names: c.1160T>C, p.Leu387Ser (NM_001127713.1, NM_181598.4); short protein forms L387S.
Identifiers: ClinVar variation 659129 (VCV000659129.12), dbSNP rs1595625010, ClinGen allele CA389675454.

ClinVar aggregate classification (germline): Conflicting classifications of pathogenicity. Review status: criteria provided, conflicting classifications (1 of 4 stars). 3 submissions from 3 submitters: Pathogenic (1); Likely pathogenic (1); Uncertain significance (1). Last evaluated 2025-05-19.

Conditions:
Hereditary spastic paraplegia 3A (SPG3A). Also called: SPASTIC PARAPLEGIA 3, AUTOSOMAL DOMINANT; FAMILIAL SPASTIC PARAPLEGIA, AUTOSOMAL DOMINANT, 1; SPG3; STRUMPELL DISEASE; Spastic Paraplegia 3A; Spastic paraplegia 3A, autosomal dominant. Identifiers: Orphanet 100984, MedGen C2931355, MONDO:0008437, OMIM 182600.

Submissions (3):

Labcorp Genetics (formerly Invitae), Labcorp
Classification: Pathogenic for Hereditary spastic paraplegia 3A. Last evaluated: 2025-05-19. Review status: criteria provided, single submitter. Criteria: Invitae Variant Classification Sherloc (09022015). Collection method: clinical testing. Allele origin: germline.
Comment: This sequence change replaces leucine, which is neutral and non-polar, with serine, which is neutral and polar, at codon 387 of the ATL1 protein (p.Leu387Ser). This variant is not present in population databases (gnomAD no frequency). This missense change has been observed in individuals with clinical features of autosomal dominant ATL1-related conditions (PMID: 26208798; internal data). It has also been observed to segregate with disease in related individuals. ClinVar contains an entry for this variant (Variation ID: 659129). Invitae Evidence Modeling of protein sequence and biophysical properties (such as structural, functional, and spatial information, amino acid conservation, physicochemical variation, residue mobility, and thermodynamic stability) indicates that this missense variant is expected to disrupt ATL1 protein function with a positive predictive value of 95%. For these reasons, this variant has been classified as Pathogenic.

GeneDx
Classification: Uncertain significance. Last evaluated: 2023-03-31. Review status: criteria provided, single submitter. Criteria: GeneDx Variant Classification Process June 2021. Collection method: clinical testing. Allele origin: germline. Affected: yes.
Comment: Reported as an unclassified variant in a patient with hereditary spastic paraplegia (Park et al., 2015); Not observed at significant frequency in large population cohorts (gnomAD); In silico analysis supports that this missense variant has a deleterious effect on protein structure/function; This variant is associated with the following publications: (PMID: 26208798)

Mendelics
Classification: Likely pathogenic for Hereditary spastic paraplegia 3A. Last evaluated: 2019-05-28. Review status: criteria provided, single submitter. Criteria: Mendelics Assertion Criteria 2017. Collection method: clinical testing. Allele origin: unknown.

Literature cited by the submitters: PubMed 26208798 (cited by Labcorp Genetics (formerly Invitae), Labcorp).